The following is an entry in ClinVar:

ClinVar aggregate classification (germline): Benign/Likely benign. Review status: criteria provided, multiple submitters, no conflicts (2 of 4 stars). 13 submissions from 13 submitters: Benign (7); Likely benign (1). 5 of the submissions do not count toward it. Last evaluated 2026-02-04.

Conditions:
Citrullinemia. Identifiers: Orphanet 187, MedGen C0175683, MONDO:0015991.
Metachromatic leukodystrophy (MLD). Also called: METACHROMATIC LEUKOENCEPHALOPATHY; SULFATIDE LIPIDOSIS; ARSA DEFICIENCY; CEREBROSIDE SULFATASE DEFICIENCY; Cerebral sclerosis diffuse metachromatic form; Arylsulfatase A Deficiency. Identifiers: Orphanet 512, MedGen C0023522, MONDO:0018868, OMIM 250100.

Allele frequency attached by ClinVar (database versions not stated): gnomAD exomes 0.03381 and 0.04220; ExAC 0.03708; 1000 Genomes Project 30x 0.04685; 1000 Genomes Project 0.04692; gnomAD 0.05570 and 0.05937; ESP Exome Variant Server 0.06082; TOPMed 0.06118.

Submissions (13):

Labcorp Genetics (formerly Invitae), Labcorp
Classification: Benign for Metachromatic leukodystrophy. Last evaluated: 2026-02-04. Review status: criteria provided, single submitter. Criteria: Invitae Variant Classification Sherloc (09022015). Collection method: clinical testing. Allele origin: germline.

Athena Diagnostics
Classification: Benign. Last evaluated: 2025-09-18. Review status: criteria provided, single submitter. Criteria: Athena Diagnostics Criteria. Collection method: clinical testing. Allele origin: unknown.
Comment: The frequency of this variant in the general population is higher than would generally be expected for pathogenic variants in this gene.

Blueprint Genetics
Classification: Likely benign. Last evaluated: 2024-11-28. Review status: criteria provided, single submitter. Criteria: ACMG Guidelines, 2015. Collection method: clinical testing. Allele origin: germline.

Illumina Laboratory Services, Illumina
Classification: Benign for Metachromatic leukodystrophy. Last evaluated: 2018-01-12. Review status: criteria provided, single submitter. Criteria: ICSL Variant Classification Criteria 13 December 2019. Collection method: clinical testing. Allele origin: germline.
Comment: This variant was observed in the ICSL laboratory as part of a predisposition screen in an ostensibly healthy population. It had not been previously curated by ICSL or reported in the Human Gene Mutation Database (HGMD: prior to June 1st, 2018), and was therefore a candidate for classification through an automated scoring system. Utilizing variant allele frequency, disease prevalence and penetrance estimates, and inheritance mode, an automated score was calculated to assess if this variant is too frequent to cause the disease. Based on the score and internal cut-off values, a variant classified as benign is not then subjected to further curation. The score for this variant resulted in a classification of benign for this disease.

GeneDx
Classification: Benign. Last evaluated: 2015-03-03. Review status: criteria provided, single submitter. Criteria: GeneDx Variant Classification Process June 2021. Collection method: clinical testing. Allele origin: germline. Affected: yes.

Eurofins Ntd Llc (ga)
Classification: Benign. Last evaluated: 2013-09-24. Review status: criteria provided, single submitter. Criteria: EGL Classification Definitions 2015. Collection method: clinical testing. Allele origin: germline. Observed: 10 variant alleles, 9 heterozygotes, 1 homozygote.

Breakthrough Genomics
Classification: Benign. Review status: criteria provided, single submitter. Criteria: ACMG Guidelines, 2015. Collection method: not provided. Allele origin: germline. Inheritance: Autosomal recessive inheritance. Affected: yes.

PreventionGenetics, part of Exact Sciences
Classification: Benign. Review status: criteria provided, single submitter. Criteria: ACMG Guidelines, 2015. Collection method: clinical testing. Allele origin: germline.

Natera, Inc.
Classification: Benign for Citrullinemia. Last evaluated: 2020-09-16. Review status: no assertion criteria provided. Collection method: clinical testing. Allele origin: germline. Not counted in ClinVar's aggregate classification.

Mayo Clinic Laboratories, Mayo Clinic
Classification: Benign. Last evaluated: 2017-04-18. Review status: no assertion criteria provided. Collection method: clinical testing. Allele origin: unknown. Not counted in ClinVar's aggregate classification.

Clinical Genetics, Academic Medical Center
Classification: Benign. Review status: no assertion criteria provided. Collection method: clinical testing. Allele origin: germline. Affected: yes. Study: VKGL Data-share Consensus. Not counted in ClinVar's aggregate classification.

Genome Diagnostics Laboratory, University Medical Center Utrecht
Classification: Benign. Review status: no assertion criteria provided. Collection method: clinical testing. Allele origin: germline. Affected: yes. Study: VKGL Data-share Consensus. Not counted in ClinVar's aggregate classification.

Joint Genome Diagnostic Labs from Nijmegen and Maastricht, Radboudumc and MUMC+
Classification: Benign. Review status: no assertion criteria provided. Collection method: clinical testing. Allele origin: germline. Affected: yes. Study: VKGL Data-share Consensus. Not counted in ClinVar's aggregate classification.

NM_000487.6(ARSA):c.459C>T (p.His153=)

Gene: ARSA (arylsulfatase A; minus strand). Cytogenetic location: 22q13.33.
Variant type: single nucleotide variant.
Coding change: c.459C>T on transcript NM_000487.6 (MANE Select); coding-DNA position 459, C replaced by T.
Protein change: p.His153=; no amino-acid change (histidine 153 retained).
Molecular consequence: synonymous variant.
Genome position (GRCh38, 1-based): chr22:50,627,172, G>A on the plus strand (C>T on the coding strand, the complement: ARSA is on the minus strand). VCF-style: chr22-50627172-G-A. GRCh37 (hg19) VCF-style: chr22-51065600-G-A.
Other names: c.459C>T, p.His153= (NM_001085425.3, NM_001085426.3, NM_001085427.3); c.201C>T, p.His67= (NM_001085428.3, NM_001362782.2).
Identifiers: ClinVar variation 93123 (VCV000093123.30), dbSNP rs6151412, ClinGen allele CA146673.